The following is an entry in ClinVar:

NM_004360.5(CDH1):c.1602G>A (p.Glu534=)

Gene: CDH1 (cadherin 1; plus strand). Cytogenetic location: 16q22.1.
Variant type: single nucleotide variant.
Coding change: c.1602G>A on transcript NM_004360.5 (MANE Select); coding-DNA position 1602, G replaced by A.
Protein change: p.Glu534=; no amino-acid change (glutamic acid 534 retained).
Molecular consequence: synonymous variant. On other transcripts: intron variant (1).
Genome position (GRCh38, 1-based): chr16:68,819,316, G>A. VCF-style: chr16-68819316-G-A. GRCh37 (hg19) VCF-style: chr16-68853219-G-A.
Other names: c.1602G>A (LRG_301t1); c.1419G>A, p.Glu473= (NM_001317184.2); c.54G>A, p.Glu18= (NM_001317185.2); c.-254-2685G>A (NM_001317186.2).
Identifiers: ClinVar variation 384284 (VCV000384284.14), dbSNP rs753031606, ClinGen allele CA16607367.
Genomic context (GRCh38, chr16:68,819,316, plus strand): 5'-AAGCCAGAGCTTGTCCCCGTTCAGATATCGGATTTGGAGAGACACTGCCAACTGGCTGGA[G>A]ATTAATCCGGACACTGGTGCCATTTCCACTCGGGCTGAGCTGGACAGGGAGGATTTTGAG-3'
Protein context (NP_004351.1, residues 524-544): RIWRDTANWL[Glu534=]INPDTGAIST

ClinVar aggregate classification (germline): Benign/Likely benign. Review status: criteria provided, multiple submitters, no conflicts (2 of 4 stars). 4 submissions from 4 submitters: Benign (1); Likely benign (3). Last evaluated 2025-01-07.

Conditions:
Hereditary cancer-predisposing syndrome. Also called: Neoplastic Syndromes, Hereditary; Hereditary neoplastic syndrome; Tumor predisposition; Hereditary Cancer Syndrome. Identifiers: Orphanet 140162, MedGen C0027672, MeSH D009386, MONDO:0015356.
Hereditary diffuse gastric adenocarcinoma (HDGC). Also called: DIFFUSE GASTRIC AND LOBULAR BREAST CANCER SYNDROME. Identifiers: Orphanet 26106, MedGen C1708349, MONDO:0007648, OMIM 137215.

Submissions (4):

Labcorp Genetics (formerly Invitae), Labcorp
Classification: Likely benign for Hereditary diffuse gastric adenocarcinoma. Last evaluated: 2025-01-07. Review status: criteria provided, single submitter. Criteria: Invitae Variant Classification Sherloc (09022015). Collection method: clinical testing. Allele origin: germline.

Myriad Genetics, Inc.
Classification: Benign for Hereditary diffuse gastric adenocarcinoma. Last evaluated: 2024-09-19. Review status: criteria provided, single submitter. Criteria: Myriad Autosomal Dominant, Autosomal Recessive and X-Linked Classification Criteria (2023). Collection method: clinical testing. Allele origin: unknown.
Comment: This variant is considered benign. This variant is a silent/synonymous amino acid change and it is not expected to impact splicing.

Ambry Genetics
Classification: Likely benign for Hereditary cancer-predisposing syndrome. Last evaluated: 2019-06-16. Review status: criteria provided, single submitter. Criteria: Ambry Variant Classification Scheme 2023. Collection method: clinical testing. Allele origin: germline.

GeneDx
Classification: Likely benign. Last evaluated: 2016-02-26. Review status: criteria provided, single submitter. Criteria: GeneDx Variant Classification (06012015). Collection method: clinical testing. Allele origin: germline. Affected: yes.
Comment: This variant is considered likely benign or benign based on one or more of the following criteria: it is a conservative change, it occurs at a poorly conserved position in the protein, it is predicted to be benign by multiple in silico algorithms, and/or has population frequency not consistent with disease.